The following is an entry in ClinVar:

ClinVar aggregate classification (germline): Uncertain significance. Review status: criteria provided, multiple submitters, no conflicts (2 of 4 stars). 2 submissions from 2 submitters: Uncertain significance (2). Last evaluated 2024-02-07.

Conditions:
Hennekam lymphangiectasia-lymphedema syndrome 2 (HKLLS2). Identifiers: Orphanet 2136, MedGen C4014939, MONDO:0014454, OMIM 616006.
Van Maldergem syndrome 2 (VMLDS2). Identifiers: Orphanet 314679, MedGen C3809875, MONDO:0014242, OMIM 615546.

Allele frequency attached by ClinVar (database versions not stated): gnomAD exomes 0.00001; TOPMed 0.00001.
gnomAD v4.1: 10 of 1,613,806 alleles (0.00062%); highest among the groups gnomAD compares: Non-Finnish European, 0.00085%; no homozygotes.

Submissions (2):

Fulgent Genetics
Classification: Uncertain significance for Van Maldergem syndrome 2; Hennekam lymphangiectasia-lymphedema syndrome 2. Last evaluated: 2024-02-07. Review status: criteria provided, single submitter. Criteria: ACMG Guidelines, 2015. Collection method: clinical testing. Allele origin: germline.

Labcorp Genetics (formerly Invitae), Labcorp
Classification: Uncertain significance. Last evaluated: 2022-06-09. Review status: criteria provided, single submitter. Criteria: Invitae Variant Classification Sherloc (09022015). Collection method: clinical testing. Allele origin: germline.
Comment: This sequence change replaces histidine, which is basic and polar, with glutamine, which is neutral and polar, at codon 78 of the FAT4 protein (p.His78Gln). This variant is present in population databases (no rsID available, gnomAD 0.002%). This variant has not been reported in the literature in individuals affected with FAT4-related conditions. Advanced modeling of protein sequence and biophysical properties (such as structural, functional, and spatial information, amino acid conservation, physicochemical variation, residue mobility, and thermodynamic stability) performed at Invitae indicates that this missense variant is not expected to disrupt FAT4 protein function. In summary, the available evidence is currently insufficient to determine the role of this variant in disease. Therefore, it has been classified as a Variant of Uncertain Significance.

NM_001291303.3(FAT4):c.234C>A (p.His78Gln)

Gene: FAT4 (FAT atypical cadherin 4; plus strand). Cytogenetic location: 4q28.1.
Variant type: single nucleotide variant.
Coding change: c.234C>A on transcript NM_001291303.3 (MANE Select); coding-DNA position 234, C replaced by A.
Protein change: p.His78Gln; replaces histidine 78 with glutamine.
Molecular consequence: missense variant.
Genome position (GRCh38, 1-based): chr4:125,316,645, C>A. VCF-style: chr4-125316645-C-A. GRCh37 (hg19) VCF-style: chr4-126237800-C-A.
Other names: c.234C>A, p.His78Gln (NM_001291285.3, NM_024582.6); c.234C>A (NM_024582.5); short protein forms H78Q.
Identifiers: ClinVar variation 2004135 (VCV002004135.2), dbSNP rs1302175421, ClinGen allele CA358115380.